The following is an entry in ClinVar:

ClinVar aggregate classification (germline): Likely benign. Review status: criteria provided, multiple submitters, no conflicts (2 of 4 stars). 3 submissions from 3 submitters: Likely benign (3). Last evaluated 2026-01-28.

Conditions:
Neuronal ceroid lipofuscinosis. Also called: Neuronal Ceroid Lipofuscinoses. Identifiers: Orphanet 216, Orphanet 79263, MedGen C0027877, MONDO:0016295. Disease mechanism: loss of function.

Allele frequency attached by ClinVar (database versions not stated): gnomAD exomes below 0.00001 and 0.00003; gnomAD 0.00001; ExAC 0.00003; TOPMed 0.00004.
gnomAD v4.1: 22 of 1,611,450 alleles (0.0014%); highest among the groups gnomAD compares: East Asian, 0.013%; no homozygotes.

Submissions (3):

Labcorp Genetics (formerly Invitae), Labcorp
Classification: Likely benign for Neuronal ceroid lipofuscinosis. Last evaluated: 2026-01-28. Review status: criteria provided, single submitter. Criteria: Invitae Variant Classification Sherloc (09022015). Collection method: clinical testing. Allele origin: germline.

Blueprint Genetics
Classification: Likely benign. Last evaluated: 2023-12-14. Review status: criteria provided, single submitter. Criteria: ACMG Guidelines, 2015. Collection method: clinical testing. Allele origin: germline.

GeneDx
Classification: Likely benign. Last evaluated: 2017-01-17. Review status: criteria provided, single submitter. Criteria: GeneDx Variant Classification (06012015). Collection method: clinical testing. Allele origin: germline. Affected: yes.
Comment: This variant is considered likely benign or benign based on one or more of the following criteria: it is a conservative change, it occurs at a poorly conserved position in the protein, it is predicted to be benign by multiple in silico algorithms, and/or has population frequency not consistent with disease.

NM_001042432.2(CLN3):c.677+19G>A

Gene: CLN3 (CLN3 lysosomal/endosomal transmembrane protein, battenin; minus strand). Cytogenetic location: 16p12.1.
Variant type: single nucleotide variant.
Coding change: c.677+19G>A on transcript NM_001042432.2 (MANE Select); 19 bases into the intron after coding-DNA position 677, G replaced by A.
Molecular consequence: intron variant.
Genome position (GRCh38, 1-based): chr16:28,486,328, C>T on the plus strand (G>A on the coding strand, the complement: CLN3 is on the minus strand). VCF-style: chr16-28486328-C-T. GRCh37 (hg19) VCF-style: chr16-28497649-C-T.
Other names: c.443+19G>A (NM_001286109.2); c.605+19G>A (NM_001286104.2); c.377+19G>A (NM_001286105.2); c.515+19G>A (NM_001286110.2); c.677+19G>A (NM_000086.2).
Identifiers: ClinVar variation 393035 (VCV000393035.10), dbSNP rs367594758, ClinGen allele CA7980864.